The following is an entry in ClinVar:

NM_015378.4(VPS13D):c.459A>C (p.Gln153His)

Gene: VPS13D (vacuolar protein sorting 13 homolog D; plus strand). Cytogenetic location: 1p36.22.
Variant type: single nucleotide variant.
Coding change: c.459A>C on transcript NM_015378.4 (MANE Select); coding-DNA position 459, A replaced by C.
Protein change: p.Gln153His; replaces glutamine 153 with histidine.
Molecular consequence: missense variant.
Genome position (GRCh38, 1-based): chr1:12,249,234, A>C. VCF-style: chr1-12249234-A-C. GRCh37 (hg19) VCF-style: chr1-12309291-A-C.
Other names: p.Gln153His; c.459A>C, p.Gln153His (NM_018156.4); c.459A>C (NM_015378.2); short protein forms Q153H.
Identifiers: ClinVar variation 806069 (VCV000806069.52), dbSNP rs116415833, ClinGen allele CA601225.

ClinVar aggregate classification (germline): Conflicting classifications of pathogenicity. Review status: criteria provided, conflicting classifications (1 of 4 stars). 6 submissions from 6 submitters: Uncertain significance (2); Likely benign (3). 1 of the submissions does not count toward it. Last evaluated 2026-01-19.

Conditions:
Inborn genetic diseases. Identifiers: MedGen C0950123, MeSH D030342.
VPS13D-related disorder. Also called: VPS13D-related condition.

Allele frequency attached by ClinVar (database versions not stated): ESP Exome Variant Server 0.00100; ExAC 0.00109; gnomAD 0.00116 and 0.00120; gnomAD exomes 0.00116 and 0.00173; 1000 Genomes Project 30x 0.00156; TOPMed 0.00164; 1000 Genomes Project 0.00180.
gnomAD v4.1: 2,684 of 1,612,106 alleles (0.17%); highest among the groups gnomAD compares: Admixed American, 0.32%; 5 homozygotes.

Submissions (6):

Labcorp Genetics (formerly Invitae), Labcorp
Classification: Likely benign. Last evaluated: 2026-01-19. Review status: criteria provided, single submitter. Criteria: Invitae Variant Classification Sherloc (09022015). Collection method: clinical testing. Allele origin: germline.

GeneDx
Classification: Uncertain significance. Last evaluated: 2025-09-30. Review status: criteria provided, single submitter. Criteria: GeneDx Variant Classification Process June 2021. Collection method: clinical testing. Allele origin: germline. Affected: yes.
Comment: In silico analysis supports that this missense variant has a deleterious effect on protein structure/function; Has not been previously published as pathogenic or benign to our knowledge; This variant is associated with the following publications: (PMID: 27535533)

Mayo Clinic Laboratories, Mayo Clinic
Classification: Likely benign. Last evaluated: 2024-12-30. Review status: criteria provided, single submitter. Criteria: ACMG Guidelines, 2015. Collection method: clinical testing. Allele origin: germline. Observed: 6 variant alleles.
Comment: BS1, BP4

Ambry Genetics
Classification: Likely benign for Inborn genetic diseases. Last evaluated: 2022-01-25. Review status: criteria provided, single submitter. Criteria: Ambry Variant Classification Scheme 2023. Collection method: clinical testing. Allele origin: germline.

CeGaT Center for Human Genetics Tuebingen
Classification: Uncertain significance. Last evaluated: 2019-06-01. Review status: criteria provided, single submitter. Criteria: CeGaT Center For Human Genetics Tuebingen Variant Classification Criteria Version 2. Collection method: clinical testing. Allele origin: germline. Affected: yes. Observed: 1 variant allele.

PreventionGenetics, part of Exact Sciences
Classification: Likely benign for VPS13D-related condition. Last evaluated: 2022-04-05. Review status: no assertion criteria provided. Collection method: clinical testing. Allele origin: germline. Not counted in ClinVar's aggregate classification.
Comment: This variant is classified as likely benign based on ACMG/AMP sequence variant interpretation guidelines (Richards et al. 2015 PMID: 25741868, with internal and published modifications).